The following is an entry in ClinVar:

NM_052947.4(ALPK2):c.5758A>G (p.Thr1920Ala)

Gene: ALPK2 (alpha kinase 2; minus strand). Cytogenetic location: 18q21.31.
Variant type: single nucleotide variant.
Coding change: c.5758A>G on transcript NM_052947.4 (MANE Select); coding-DNA position 5758, A replaced by G.
Protein change: p.Thr1920Ala; replaces threonine 1920 with alanine.
Molecular consequence: missense variant.
Genome position (GRCh38, 1-based): chr18:58,517,090, T>C on the plus strand (A>G on the coding strand, the complement: ALPK2 is on the minus strand). VCF-style: chr18-58517090-T-C. GRCh37 (hg19) VCF-style: chr18-56184322-T-C.
Other names: short protein forms T1920A.
Identifiers: ClinVar variation 1749455 (VCV001749455.2), dbSNP rs1297004292, ClinGen allele CA402548938.

ClinVar aggregate classification (germline): Uncertain significance (1 of 4 stars; one submission).

Allele frequency attached by ClinVar (database versions not stated): gnomAD exomes 0.00001.
gnomAD v4.1: 10 of 1,614,224 alleles (0.00062%); highest among the groups gnomAD compares: Non-Finnish European, 0.00076%; no homozygotes.

Submission:

Ambry Genetics
Classification: Uncertain significance. Last evaluated: 2022-01-27. Review status: criteria provided, single submitter. Criteria: Ambry Variant Classification Scheme 2023. Collection method: clinical testing. Allele origin: germline.
Comment: The p.T1920A variant (also known as c.5758A>G), located in coding exon 8 of the ALPK2 gene, results from an A to G substitution at nucleotide position 5758. The threonine at codon 1920 is replaced by alanine, an amino acid with similar properties. This amino acid position is conserved. In addition, this alteration is predicted to be tolerated by in silico analysis. Since supporting evidence is limited at this time, the clinical significance of this alteration remains unclear.